The following is an entry in ClinVar:

NM_005751.5(AKAP9):c.4216G>A (p.Val1406Met)

Gene: AKAP9 (A-kinase anchoring protein 9; plus strand). Cytogenetic location: 7q21.2.
Variant type: single nucleotide variant.
Coding change: c.4216G>A on transcript NM_005751.5 (MANE Select); coding-DNA position 4216, G replaced by A.
Protein change: p.Val1406Met; replaces valine 1406 with methionine.
Molecular consequence: missense variant.
Genome position (GRCh38, 1-based): chr7:92,029,962, G>A. VCF-style: chr7-92029962-G-A. GRCh37 (hg19) VCF-style: chr7-91659276-G-A.
Other names: c.4216G>A, p.Val1406Met (NM_147185.3); short protein forms V1406M.
Identifiers: ClinVar variation 1738780 (VCV001738780.2), dbSNP rs988349389, ClinGen allele CA161891283.

ClinVar aggregate classification (germline): Uncertain significance (1 of 4 stars; one submission).

Conditions:
Cardiovascular phenotype. Identifiers: MedGen CN230736.

Allele frequency attached by ClinVar (database versions not stated): gnomAD exomes below 0.00001.
gnomAD v4.1: 2 of 1,612,076 alleles (0.00012%); highest among the groups gnomAD compares: South Asian, 0.0022%; 1 homozygote.

Submission:

Ambry Genetics
Classification: Uncertain significance for Cardiovascular phenotype. Last evaluated: 2021-07-12. Review status: criteria provided, single submitter. Criteria: Ambry Variant Classification Scheme 2023. Collection method: clinical testing. Allele origin: germline.
Comment: The p.V1406M variant (also known as c.4216G>A), located in coding exon 15 of the AKAP9 gene, results from a G to A substitution at nucleotide position 4216. The valine at codon 1406 is replaced by methionine, an amino acid with highly similar properties. This amino acid position is conserved. In addition, this alteration is predicted to be tolerated by in silico analysis. Since supporting evidence is limited at this time, the clinical significance of this alteration remains unclear.